The following is an entry in ClinVar:

ClinVar aggregate classification (germline): Uncertain significance. Review status: criteria provided, multiple submitters, no conflicts (2 of 4 stars). 2 submissions from 2 submitters: Uncertain significance (2). Last evaluated 2024-10-04.

Conditions:
Inborn genetic diseases. Identifiers: MedGen C0950123, MeSH D030342.
Cockayne syndrome. Identifiers: Orphanet 191, MedGen C0009207, MONDO:0016006.
Xeroderma pigmentosum, group F (XPF). Also called: XERODERMA PIGMENTOSUM, COMPLEMENTATION GROUP F; XERODERMA PIGMENTOSUM, TYPE F; Xeroderma pigmentosum, type 6; ERCC4-Related Xeroderma Pigmentosum; XERODERMA PIGMENTOSUM VI; XP, GROUP F. Identifiers: MedGen C0268140, MONDO:0010215, OMIM 278760.
Fanconi anemia complementation group Q. Identifiers: Orphanet 84, MedGen C3808988, MONDO:0014108, OMIM 615272.

Allele frequency attached by ClinVar (database versions not stated): gnomAD exomes below 0.00001; gnomAD 0.00001.
gnomAD v4.1: 6 of 1,613,924 alleles (0.00037%); highest among the groups gnomAD compares: Non-Finnish European, 0.00051%; no homozygotes.

Submissions (2):

Ambry Genetics
Classification: Uncertain significance for Inborn genetic diseases. Last evaluated: 2024-10-04. Review status: criteria provided, single submitter. Criteria: Ambry Variant Classification Scheme 2023. Collection method: clinical testing. Allele origin: germline.

Labcorp Genetics (formerly Invitae), Labcorp
Classification: Uncertain significance for Fanconi anemia complementation group Q; Xeroderma pigmentosum, group F; Cockayne syndrome. Last evaluated: 2022-03-05. Review status: criteria provided, single submitter. Criteria: Invitae Variant Classification Sherloc (09022015). Collection method: clinical testing. Allele origin: germline.
Comment: This sequence change replaces tyrosine, which is neutral and polar, with cysteine, which is neutral and slightly polar, at codon 898 of the ERCC4 protein (p.Tyr898Cys). This variant is not present in population databases (gnomAD no frequency). This variant has not been reported in the literature in individuals affected with ERCC4-related conditions. Algorithms developed to predict the effect of missense changes on protein structure and function are either unavailable or do not agree on the potential impact of this missense change (SIFT: "Deleterious"; PolyPhen-2: "Possibly Damaging"; Align-GVGD: "Class C0"). In summary, the available evidence is currently insufficient to determine the role of this variant in disease. Therefore, it has been classified as a Variant of Uncertain Significance.

NM_005236.3(ERCC4):c.2693A>G (p.Tyr898Cys)

Gene: ERCC4 (ERCC excision repair 4, endonuclease catalytic subunit; plus strand). Cytogenetic location: 16p13.12.
Variant type: single nucleotide variant.
Coding change: c.2693A>G on transcript NM_005236.3 (MANE Select); coding-DNA position 2693, A replaced by G.
Protein change: p.Tyr898Cys; replaces tyrosine 898 with cysteine.
Molecular consequence: missense variant.
Genome position (GRCh38, 1-based): chr16:13,948,289, A>G. VCF-style: chr16-13948289-A-G. GRCh37 (hg19) VCF-style: chr16-14042146-A-G.
Other names: c.2693A>G (NM_005236.2); short protein forms Y898C.
Identifiers: ClinVar variation 1437504 (VCV001437504.9), dbSNP rs2032564211, ClinGen allele CA394824960.